The following is an entry in ClinVar:

ClinVar aggregate classification (germline): Likely benign. Review status: criteria provided, multiple submitters, no conflicts (2 of 4 stars). 3 submissions from 3 submitters: Likely benign (2). 1 of the submissions does not count toward it. Last evaluated 2018-07-31.

Conditions:
MSR1-related disorder. Also called: MSR1-related condition.

Allele frequency attached by ClinVar (database versions not stated): 1000 Genomes Project 0.00040; 1000 Genomes Project 30x 0.00047; ESP Exome Variant Server 0.00069; gnomAD 0.00076; TOPMed 0.00104.
gnomAD v4.1: 204 of 1,613,358 alleles (0.013%); highest among the groups gnomAD compares: African/African-American, 0.24%; no homozygotes.

Submissions (7):

Labcorp Genetics (formerly Invitae), Labcorp
Classification: Likely benign. Last evaluated: 2018-07-31. Review status: criteria provided, single submitter. Criteria: Invitae Variant Classification Sherloc (09022015). Collection method: clinical testing. Allele origin: germline.

Breakthrough Genomics
Classification: Likely benign. Review status: criteria provided, single submitter. Criteria: ACMG Guidelines, 2015. Collection method: not provided. Allele origin: germline. Inheritance: Unknown mechanism. Affected: yes.

PreventionGenetics, part of Exact Sciences
Classification: Likely benign for MSR1-related condition. Last evaluated: 2020-09-04. Review status: no assertion criteria provided. Collection method: clinical testing. Allele origin: germline. Not counted in ClinVar's aggregate classification.
Comment: This variant is classified as likely benign based on ACMG/AMP sequence variant interpretation guidelines (Richards et al. 2015 PMID: 25741868, with internal and published modifications).

Dr. Peter K. Rogan Lab, Western University
No classification provided (evidence only). Condition: Clear cell carcinoma of kidney. Review status: no classification provided. Collection method: in vitro. Allele origin: not applicable. Functional consequence: skipped exon, retained intron. Not counted in ClinVar's aggregate classification.

Dr. Peter K. Rogan Lab, Western University
No classification provided (evidence only). Condition: Papillary renal cell carcinoma type 1. Review status: no classification provided. Collection method: in vitro. Allele origin: not applicable. Functional consequence: skipped exon, retained intron. Not counted in ClinVar's aggregate classification.

Dr. Peter K. Rogan Lab, Western University
No classification provided (evidence only). Condition: Familial cancer of breast. Review status: no classification provided. Collection method: in vitro. Allele origin: not applicable. Functional consequence: skipped exon, retained intron. Not counted in ClinVar's aggregate classification.

Dr. Peter K. Rogan Lab, Western University
No classification provided (evidence only). Condition: Thyroid cancer, nonmedullary, 1. Review status: no classification provided. Collection method: in vitro. Allele origin: not applicable. Functional consequence: retained intron. Not counted in ClinVar's aggregate classification.

NM_138715.3(MSR1):c.103+1G>T

Gene: MSR1 (macrophage scavenger receptor 1; minus strand). Cytogenetic location: 8p22.
Variant type: single nucleotide variant.
Coding change: c.103+1G>T on transcript NM_138715.3 (MANE Select); the canonical splice donor site of the intron after coding-DNA position 103, G replaced by T.
Molecular consequence: splice donor variant.
Genome position (GRCh38, 1-based): chr8:16,177,885, C>A on the plus strand (G>T on the coding strand, the complement: MSR1 is on the minus strand). VCF-style: chr8-16177885-C-A. GRCh37 (hg19) VCF-style: chr8-16035394-C-A.
Other names: NC_000008.10:g.16035394C>A; c.103+1G>T (NM_138716.3, NM_002445.4); c.157+1G>T (NM_001363744.1).
Identifiers: ClinVar variation 747968 (VCV000747968.7), dbSNP rs150131889, ClinGen allele CA4641451.